The following is an entry in ClinVar:

ClinVar aggregate classification (germline): Benign (0 of 4 stars; one submission).

Conditions:
XIRP2-related disorder. Also called: XIRP2-related condition.

Allele frequency attached by ClinVar (database versions not stated): gnomAD exomes 0.00056; gnomAD 0.00069; TOPMed 0.00091; ExAC 0.00166; 1000 Genomes Project 30x 0.00265; 1000 Genomes Project 0.00319.
gnomAD v4.1: 931 of 1,614,116 alleles (0.058%); highest among the groups gnomAD compares: East Asian, 2%; 11 homozygotes.

Submission:

PreventionGenetics, part of Exact Sciences
Classification: Benign for XIRP2-related condition. Last evaluated: 2019-08-29. Review status: no assertion criteria provided. Collection method: clinical testing. Allele origin: germline.
Comment: This variant is classified as benign based on ACMG/AMP sequence variant interpretation guidelines (Richards et al. 2015 PMID: 25741868, with internal and published modifications).

NM_152381.6(XIRP2):c.1822A>G (p.Ile608Val)

Gene: XIRP2 (xin actin binding repeat containing 2; plus strand). Cytogenetic location: 2q24.3.
Variant type: single nucleotide variant.
Coding change: c.1822A>G on transcript NM_152381.6 (MANE Select); coding-DNA position 1822, A replaced by G.
Protein change: p.Ile608Val; replaces isoleucine 608 with valine.
Molecular consequence: missense variant. On other transcripts: intron variant (3).
Genome position (GRCh38, 1-based): chr2:167,243,214, A>G. VCF-style: chr2-167243214-A-G. GRCh37 (hg19) VCF-style: chr2-168099724-A-G.
Other names: c.1156A>G, p.Ile386Val (NM_001199144.2); c.1275+1304A>G (NM_001199143.2); c.1176+1304A>G (NM_001079810.4); c.510+1304A>G (NM_001199145.2); short protein forms I386V, I608V.
Identifiers: ClinVar variation 3053584 (VCV003053584.2), dbSNP rs75011196, ClinGen allele CA1946537.